The following is an entry in ClinVar:

ClinVar aggregate classification (germline): Uncertain significance (1 of 4 stars; one submission).

Conditions:
POLD1-related polyposis and colorectal cancer syndrome (CRCS10). Also called: Colorectal cancer 10; COLORECTAL CANCER, SUSCEPTIBILITY TO, ON CHROMOSOME 19q; Colorectal cancer, susceptibility to, 10. Identifiers: Orphanet 220460, MedGen C2675481, MONDO:0012953, OMIM 612591.

Submission:

Labcorp Genetics (formerly Invitae), Labcorp
Classification: Uncertain significance for POLD1-related polyposis and colorectal cancer syndrome. Last evaluated: 2025-02-25. Review status: criteria provided, single submitter. Criteria: Invitae Variant Classification Sherloc (09022015). Collection method: clinical testing. Allele origin: germline.
Comment: This sequence change replaces alanine, which is neutral and non-polar, with proline, which is neutral and non-polar, at codon 39 of the POLD1 protein (p.Ala39Pro). This variant is not present in population databases (gnomAD no frequency). This variant has not been reported in the literature in individuals affected with POLD1-related conditions. An algorithm developed to predict the effect of missense changes on protein structure and function (PolyPhen-2) suggests that this variant is likely to be disruptive. In summary, the available evidence is currently insufficient to determine the role of this variant in disease. Therefore, it has been classified as a Variant of Uncertain Significance.

NM_002691.4(POLD1):c.115G>C (p.Ala39Pro)

Gene: POLD1 (DNA polymerase delta 1, catalytic subunit; plus strand). Cytogenetic location: 19q13.33.
Variant type: single nucleotide variant.
Coding change: c.115G>C on transcript NM_002691.4 (MANE Select); coding-DNA position 115, G replaced by C.
Protein change: p.Ala39Pro; replaces alanine 39 with proline.
Molecular consequence: missense variant. On other transcripts: non-coding transcript variant (1).
Genome position (GRCh38, 1-based): chr19:50,398,966, G>C. VCF-style: chr19-50398966-G-C. GRCh37 (hg19) VCF-style: chr19-50902223-G-C.
Other names: c.115G>C, p.Ala39Pro (NM_001256849.1, NM_001308632.1); short protein forms A39P.
Identifiers: ClinVar variation 3650311 (VCV003650311.2).